The following is an entry in ClinVar:

ClinVar aggregate classification (germline): Conflicting classifications of pathogenicity. Review status: criteria provided, conflicting classifications (1 of 4 stars). 3 submissions from 3 submitters: Uncertain significance (1); Likely benign (2). Last evaluated 2026-07-31.

Conditions:
Inborn genetic diseases. Identifiers: MedGen C0950123, MeSH D030342.
X-linked distal spinal muscular atrophy type 3. Also called: NEURONOPATHY, DISTAL HEREDITARY MOTOR, X-LINKED; NEUROPATHY, DISTAL HEREDITARY MOTOR, X-LINKED; ATP7A-Related Distal Motor Neuropathy; SPINAL MUSCULAR ATROPHY, DISTAL, X-LINKED RECESSIVE. Identifiers: Orphanet 139557, MedGen C1845359, MONDO:0010338, OMIM 300489.
Cutis laxa, X-linked (OHS). Also called: Occipital horn syndrome; EDS IX. Identifiers: Orphanet 198, MedGen C0268353, MONDO:0010572, OMIM 304150.
Menkes kinky-hair syndrome (MNK). Also called: Classic Menkes Disease; Copper transport disease; Menkes Disease. Identifiers: Orphanet 565, MedGen C0022716, MONDO:0010651, OMIM 309400.
ATP7A-related disorder. Also called: ATP7A-related condition.

Allele frequency attached by ClinVar (database versions not stated): gnomAD exomes 0.00003 and 0.00007; gnomAD 0.00006; ExAC 0.00007; TOPMed 0.00013.
gnomAD v4.1: 40 of 1,209,218 alleles (0.0033%); highest among the groups gnomAD compares: Admixed American, 0.026%; no homozygotes.

Submissions (5):

PreventionGenetics, part of Exact Sciences
Classification: Likely benign for ATP7A-related condition. Last evaluated: 2026-07-31. Review status: criteria provided, single submitter. Criteria: ACMG Guidelines, 2015. Collection method: clinical testing. Allele origin: germline.
Comment: This variant is classified as likely benign based on ACMG/AMP sequence variant interpretation guidelines (Richards et al. 2015 PMID: 25741868, with internal and published modifications).

Labcorp Genetics (formerly Invitae), Labcorp
Classification: Likely benign for X-linked distal spinal muscular atrophy type 3; Cutis laxa, X-linked; Menkes kinky-hair syndrome. Last evaluated: 2026-01-07. Review status: criteria provided, single submitter. Criteria: Invitae Variant Classification Sherloc (09022015). Collection method: clinical testing. Allele origin: germline.

Ambry Genetics
Classification: Uncertain significance for Inborn genetic diseases. Last evaluated: 2016-09-29. Review status: criteria provided, single submitter. Criteria: Ambry Variant Classification Scheme 2023. Collection method: clinical testing. Allele origin: germline.
Comment: The p.R1211Q variant (also known as c.3632G>A), located in coding exon 17 of the ATP7A gene, results from a G to A substitution at nucleotide position 3632. The arginine at codon 1211 is replaced by glutamine, an amino acid with highly similar properties. This variant was not reported in population based cohorts in the following databases: Database of Single Nucleotide Polymorphisms (dbSNP), NHLBI Exome Sequencing Project (ESP), and 1000 Genomes Project. In the ESP, this variant was not observed in 6503 samples with coverage at this position. This amino acid position is highly conserved through mammals but not in all available vertebrate species. In addition, the in silico prediction for this alteration is inconclusive. Since supporting evidence is limited at this time, the clinical significance of this alteration remains unclear.

Dr. Peter K. Rogan Lab, Western University
No classification provided (evidence only). Condition: Thyroid cancer, nonmedullary, 1. Review status: no classification provided. Collection method: in vitro. Allele origin: not applicable. Functional consequence: retained intron. Not counted in ClinVar's aggregate classification.

Dr. Peter K. Rogan Lab, Western University
No classification provided (evidence only). Condition: Nonpapillary renal cell carcinoma. Review status: no classification provided. Collection method: in vitro. Allele origin: not applicable. Functional consequence: retained intron. Not counted in ClinVar's aggregate classification.

NM_000052.7(ATP7A):c.3632G>A (p.Arg1211Gln)

Gene: ATP7A (ATPase copper transporting alpha; plus strand). Cytogenetic location: Xq21.1.
Variant type: single nucleotide variant.
Coding change: c.3632G>A on transcript NM_000052.7 (MANE Select); coding-DNA position 3632, G replaced by A.
Protein change: p.Arg1211Gln; replaces arginine 1211 with glutamine.
Molecular consequence: missense variant. On other transcripts: non-coding transcript variant (1).
Genome position (GRCh38, 1-based): chrX:78,038,956, G>A. VCF-style: chrX-78038956-G-A. GRCh37 (hg19) VCF-style: chrX-77294454-G-A.
Other names: c.3632G>A (NM_000052.6); c.3398G>A, p.Arg1133Gln (NM_001282224.2); short protein forms R1211Q, R1133Q.
Identifiers: ClinVar variation 590222 (VCV000590222.16), dbSNP rs782166627, ClinGen allele CA10459448.
Genomic context (GRCh38, chrX:78,038,956, plus strand): 5'-ATGGTCTTGTCATTAATAACGATGTAAATGATTTCATGACTGAACATGAGAGAAAAGGTC[G>A]GACTGCTGTATTAGTAGCAGTTGATGGTAAGGTTTTCCATAAGTATGCTATAACTCAATG-3'
Protein context (NP_000043.4, residues 1201-1221): DFMTEHERKG[Arg1211Gln]TAVLVAVDDE